The following is an entry in ClinVar:

NM_153704.6(TMEM67):c.1505G>A (p.Ser502Asn)

Gene: TMEM67 (transmembrane protein 67; plus strand). Cytogenetic location: 8q22.1.
Variant type: single nucleotide variant.
Coding change: c.1505G>A on transcript NM_153704.6 (MANE Select); coding-DNA position 1505, G replaced by A.
Protein change: p.Ser502Asn; replaces serine 502 with asparagine.
Molecular consequence: missense variant. On other transcripts: non-coding transcript variant (1).
Genome position (GRCh38, 1-based): chr8:93,787,936, G>A. VCF-style: chr8-93787936-G-A. GRCh37 (hg19) VCF-style: chr8-94800164-G-A.
Other names: c.1262G>A, p.Ser421Asn (NM_001142301.1); short protein forms S502N, S421N.
Identifiers: ClinVar variation 4998976 (VCV004998976.1).

ClinVar aggregate classification (germline): Uncertain significance (1 of 4 stars; one submission).

Conditions:
TMEM67-related disorder. Also called: TMEM67-related condition; TMEM67-related disorders. Identifiers: MedGen CN239423.

Submission:

PreventionGenetics, part of Exact Sciences
Classification: Uncertain significance for TMEM67-related condition. Last evaluated: 2025-07-28. Review status: criteria provided, single submitter. Criteria: ACMG Guidelines, 2015. Collection method: clinical testing. Allele origin: germline.
Comment: The TMEM67 c.1505G>A variant is predicted to result in the amino acid substitution p.Ser502Asn. To our knowledge, this variant has not been reported in the literature or in a large population database (gnomAD), indicating this variant is rare. At this time, the clinical significance of this variant is uncertain due to the absence of conclusive functional and genetic evidence.